The following is an entry in ClinVar:

NM_032638.5(GATA2):c.749C>T (p.Pro250Leu)

Gene: GATA2 (GATA binding protein 2; minus strand). Cytogenetic location: 3q21.3.
Variant type: single nucleotide variant.
Coding change: c.749C>T on transcript NM_032638.5 (MANE Select); coding-DNA position 749, C replaced by T.
Protein change: p.Pro250Leu; replaces proline 250 with leucine.
Molecular consequence: missense variant.
Genome position (GRCh38, 1-based): chr3:128,485,849, G>A on the plus strand (C>T on the coding strand, the complement: GATA2 is on the minus strand). VCF-style: chr3-128485849-G-A. GRCh37 (hg19) VCF-style: chr3-128204692-G-A.
Other names: c.749C>T, p.Pro250Leu (NM_001145661.2, NM_001145662.1); short protein forms P250L.
Identifiers: ClinVar variation 4620638 (VCV004620638.1).
Genomic context (GRCh38, chr3:128,485,849, plus strand): 5'-AAGCCTCCGGGGTGGAAGAGTCCGCTGCTGTAGTCGTGGGCAGCCGCCGGCACATAGGAG[G>A]GGTAGGTGGGGATGGGGTGGTGTGTAGCAGGCTGGGTGCCCATAGTAGCTAGGCCTGGGC-3'
Protein context (NP_116027.2, residues 240-260): PATHHPIPTY[Pro250Leu]SYVPAAAHDY

ClinVar aggregate classification (germline): Uncertain significance (1 of 4 stars; one submission).

Conditions:
Inborn genetic diseases. Identifiers: MedGen C0950123, MeSH D030342.

Submission:

Ambry Genetics
Classification: Uncertain significance for Inborn genetic diseases. Last evaluated: 2025-11-13. Review status: criteria provided, single submitter. Criteria: Ambry Variant Classification Scheme 2023. Collection method: clinical testing. Allele origin: germline.
Comment: The p.P250L variant (also known as c.749C>T), located in coding exon 2 of the GATA2 gene, results from a C to T substitution at nucleotide position 749. The proline at codon 250 is replaced by leucine, an amino acid with similar properties. This amino acid position is highly conserved in available vertebrate species. In addition, this alteration is predicted to be deleterious by in silico analysis. Based on the available evidence, the clinical significance of this variant remains unclear.